The following is an entry in ClinVar:

ClinVar aggregate classification (germline): Uncertain significance (1 of 4 stars; one submission).

Conditions:
Neurofibromatosis, type 1 (NF1). Also called: VON RECKLINGHAUSEN DISEASE; NEUROFIBROMATOSIS, TYPE I, SOMATIC; Peripheral type neurofibromatosis; Neurofibromatosis, type I. Identifiers: Orphanet 636, MedGen C0027831, MONDO:0018975, OMIM 162200. Disease mechanism: loss of function.

Submission:

Labcorp Genetics (formerly Invitae), Labcorp
Classification: Uncertain significance for Neurofibromatosis, type 1. Last evaluated: 2024-11-13. Review status: criteria provided, single submitter. Criteria: Invitae Variant Classification Sherloc (09022015). Collection method: clinical testing. Allele origin: germline.
Comment: This sequence change creates a premature translational stop signal (p.Asn2754Glufs*4) in the NF1 gene. While this is not anticipated to result in nonsense mediated decay, it is expected to disrupt the last 65 amino acid(s) of the NF1 protein. This variant is not present in population databases (gnomAD no frequency). This variant has not been reported in the literature in individuals affected with NF1-related conditions. ClinVar contains an entry for this variant (Variation ID: 658513). Experimental studies and prediction algorithms are not available or were not evaluated, and the functional significance of this variant is currently unknown. In summary, the available evidence is currently insufficient to determine the role of this variant in disease. Therefore, it has been classified as a Variant of Uncertain Significance.

NM_001042492.3(NF1):c.8301_8322dup (p.Asn2775delinsGluProAlaTer)

Gene: NF1 (neurofibromin 1; plus strand). Cytogenetic location: 17q11.2.
Variant type: Duplication.
Coding change: c.8301_8322dup on transcript NM_001042492.3 (MANE Select); coding-DNA positions 8301 to 8322, 22 bases duplicated (GAGCCAGCTTAGTATCACTGCC).
Protein change: p.Asn2775delinsGluProAlaTer.
Molecular consequence: nonsense. On other transcripts: frameshift variant (1).
Genome position (GRCh38, 1-based): chr17:31,360,627-31,360,648, GAGCCAGCTTAGTATCACTGCC duplicated. VCF-style (leftmost placement, unchanged base first): chr17-31360626-A-AGAGCCAGCTTAGTATCACTGCC. GRCh37 (hg19) VCF-style: chr17-29687644-A-AGAGCCAGCTTAGTATCACTGCC.
Other names: c.8238_8259dup, p.Asn2754Glufs (NM_000267.4).
Identifiers: ClinVar variation 658513 (VCV000658513.5), dbSNP rs1597870268, ClinGen allele CA915949945.